The following is an entry in ClinVar:

ClinVar aggregate classification (germline): Uncertain significance. Review status: criteria provided, single submitter (1 of 4 stars). 2 submissions from 2 submitters: Uncertain significance (1). 1 of the submissions does not count toward it. Last evaluated 2024-09-18.

Conditions:
PCNT-related disorder. Also called: PCNT-related condition.

Allele frequency attached by ClinVar (database versions not stated): gnomAD 0.00003; gnomAD exomes 0.00005 and 0.00003; ESP Exome Variant Server 0.00015; TOPMed 0.00004.
gnomAD v4.1: 46 of 1,613,558 alleles (0.0029%); highest among the groups gnomAD compares: East Asian, 0.013%; no homozygotes.

Submissions (2):

Labcorp Genetics (formerly Invitae), Labcorp
Classification: Uncertain significance. Last evaluated: 2024-09-18. Review status: criteria provided, single submitter. Criteria: Invitae Variant Classification Sherloc (09022015). Collection method: clinical testing. Allele origin: germline.
Comment: This sequence change falls in intron 6 of the PCNT gene. It does not directly change the encoded amino acid sequence of the PCNT protein. It affects a nucleotide within the consensus splice site. This variant is present in population databases (rs367920438, gnomAD 0.02%). This variant has not been reported in the literature in individuals affected with PCNT-related conditions. ClinVar contains an entry for this variant (Variation ID: 1513493). Variants that disrupt the consensus splice site are a relatively common cause of aberrant splicing (PMID: 17576681, 9536098). Algorithms developed to predict the effect of sequence changes on RNA splicing suggest that this variant is not likely to affect RNA splicing. In summary, the available evidence is currently insufficient to determine the role of this variant in disease. Therefore, it has been classified as a Variant of Uncertain Significance.

PreventionGenetics, part of Exact Sciences
Classification: Likely benign for PCNT-related condition. Last evaluated: 2019-03-22. Review status: no assertion criteria provided. Collection method: clinical testing. Allele origin: germline. Not counted in ClinVar's aggregate classification.
Comment: This variant is classified as likely benign based on ACMG/AMP sequence variant interpretation guidelines (Richards et al. 2015 PMID: 25741868, with internal and published modifications).

Literature cited by the submitters: PubMed 17576681 (cited by Labcorp Genetics (formerly Invitae), Labcorp); PubMed 9536098 (cited by Labcorp Genetics (formerly Invitae), Labcorp).

NM_006031.6(PCNT):c.1032+6C>T

Gene: PCNT (pericentrin; plus strand). Cytogenetic location: 21q22.3.
Variant type: single nucleotide variant.
Coding change: c.1032+6C>T on transcript NM_006031.6 (MANE Select); 6 bases into the intron after coding-DNA position 1032, C replaced by T.
Molecular consequence: intron variant.
Genome position (GRCh38, 1-based): chr21:46,347,518, C>T. VCF-style: chr21-46347518-C-T. GRCh37 (hg19) VCF-style: chr21-47767432-C-T.
Other names: c.678+6C>T (NM_001315529.2); c.1032+6C>T (NM_006031.5).
Identifiers: ClinVar variation 1513493 (VCV001513493.7), dbSNP rs367920438, ClinGen allele CA10078479.